The following is an entry in ClinVar:

ClinVar aggregate classification (germline): Pathogenic. Review status: criteria provided, multiple submitters, no conflicts (2 of 4 stars). 2 submissions from 2 submitters: Pathogenic (2). Last evaluated 2023-05-09.

Conditions:
Familial adenomatous polyposis 1 (FAP1). Also called: POLYPOSIS, ADENOMATOUS INTESTINAL; FAMILIAL ADENOMATOUS POLYPOSIS 1, ATTENUATED. Identifiers: MedGen C2713442, MONDO:0021056, OMIM 175100. Disease mechanism: loss of function.
Familial multiple polyposis syndrome (FAP). Also called: Familial adenomatous polyposis; Familial Adenomatous Polyposis (FAP); Familial intestinal polyposis; Familial polyposis; Classic familial adenomatous polyposis. Identifiers: Orphanet 733, MedGen C0032580, MONDO:0021055. Disease mechanism: loss of function.

Submissions (2):

Myriad Genetics, Inc.
Classification: Pathogenic for Familial adenomatous polyposis 1. Last evaluated: 2023-05-09. Review status: criteria provided, single submitter. Criteria: Myriad Autosomal Dominant, Autosomal Recessive and X-Linked Classification Criteria (2023). Collection method: clinical testing. Allele origin: unknown.
Comment: This variant is considered pathogenic. This variant creates a termination codon and is predicted to result in premature protein truncation.

Department of Pathology and Laboratory Medicine, Sinai Health System
Classification: Pathogenic for Familial multiple polyposis syndrome. Last evaluated: 2015-11-20. Review status: criteria provided, single submitter. Criteria: ACMG Guidelines, 2015. Collection method: clinical testing. Allele origin: germline. Affected: yes. Study: Canadian Open Genetics Repository (COGR).

NM_000038.6(APC):c.3542T>A (p.Leu1181Ter)

Gene: APC (APC regulator of Wnt signaling pathway; plus strand). Cytogenetic location: 5q22.2.
Variant type: single nucleotide variant.
Coding change: c.3542T>A on transcript NM_000038.6 (MANE Select); coding-DNA position 3542, T replaced by A.
Protein change: p.Leu1181Ter; replaces leucine 1181 with a stop codon.
Molecular consequence: nonsense.
Genome position (GRCh38, 1-based): chr5:112,839,136, T>A. VCF-style: chr5-112839136-T-A. GRCh37 (hg19) VCF-style: chr5-112174833-T-A.
Other names: c.3542T>A, p.Leu1181Ter (NM_001127510.3, NM_001354895.2); c.3488T>A, p.Leu1163Ter (NM_001127511.3); c.3596T>A, p.Leu1199Ter (NM_001354896.2); c.3572T>A, p.Leu1191Ter (NM_001354897.2); c.3467T>A, p.Leu1156Ter (NM_001354898.2); c.3458T>A, p.Leu1153Ter (NM_001354899.2); c.3419T>A, p.Leu1140Ter (NM_001354900.2); c.3365T>A, p.Leu1122Ter (NM_001354901.2); and 5 more; short protein forms L1163*, L1181*, L1021*, L1090*, L1140*, L1153*, L1122*, L1199*.
Identifiers: ClinVar variation 433648 (VCV000433648.3), dbSNP rs1554085102, ClinGen allele CA16029114.